The following is an entry in ClinVar:

ClinVar aggregate classification (germline): Pathogenic. Review status: criteria provided, single submitter (1 of 4 stars). 2 submissions from 2 submitters: Pathogenic (1). 1 of the submissions does not count toward it. Last evaluated 2023-05-19.

Conditions:
Ehlers-Danlos syndrome, classic type, 1 (EDSCL1). Also called: Ehlers-Danlos Syndrome, Classic Type, COL5A1-Related; EDS I; Ehlers-Danlos syndrome, type 1; EHLERS-DANLOS SYNDROME, GRAVIS TYPE; EHLERS-DANLOS SYNDROME, SEVERE CLASSIC TYPE. Identifiers: MedGen C0268335, MONDO:0019567, OMIM 130000.

Submissions (2):

Labcorp Genetics (formerly Invitae), Labcorp
Classification: Pathogenic for Ehlers-Danlos syndrome, classic type, 1. Last evaluated: 2023-05-19. Review status: criteria provided, single submitter. Criteria: Invitae Variant Classification Sherloc (09022015). Collection method: clinical testing. Allele origin: germline.
Comment: This sequence change creates a premature translational stop signal (p.Pro1251Argfs*25) in the COL5A1 gene. It is expected to result in an absent or disrupted protein product. Loss-of-function variants in COL5A1 are known to be pathogenic (PMID: 23587214). This variant is not present in population databases (gnomAD no frequency). This premature translational stop signal has been observed in individual(s) with Ehlers-Danlos syndrome (PMID: 10796876). ClinVar contains an entry for this variant (Variation ID: 17190). For these reasons, this variant has been classified as Pathogenic.

OMIM
Classification: Pathogenic for EHLERS-DANLOS SYNDROME, CLASSIC TYPE, 1. Last evaluated: 2000-06-01. Review status: no assertion criteria provided. Collection method: literature only. Allele origin: germline. Not counted in ClinVar's aggregate classification.

Literature cited by the submitters: PubMed 23587214 (cited by Labcorp Genetics (formerly Invitae), Labcorp); PubMed 10796876 (cited by Labcorp Genetics (formerly Invitae), Labcorp and OMIM).

NM_000093.5(COL5A1):c.3752del (p.Pro1251fs)

Gene: COL5A1 (collagen type V alpha 1 chain; plus strand). Cytogenetic location: 9q34.3.
Variant type: Deletion.
Coding change: c.3752del on transcript NM_000093.5 (MANE Select); coding-DNA position 3752, one base deleted (C; older notation c.3752delC).
Protein change: p.Pro1251fs; shifts the reading frame from proline 1251.
Molecular consequence: frameshift variant.
Genome position (GRCh38, 1-based): chr9:134,812,612, C deleted; the last of 6 consecutive C bases (chr9:134,812,607-134,812,612); deleting any one gives the same sequence. VCF-style (leftmost placement, unchanged base first): chr9-134812606-GC-G. GRCh37 (hg19) VCF-style: chr9-137704452-GC-G.
Other names: c.3752del, p.Pro1251fs (NM_001278074.1); short protein forms P1251fs.
Identifiers: ClinVar variation 17190 (VCV000017190.4), dbSNP rs786205100, ClinGen allele CA281072.